The following is an entry in ClinVar:

NM_130384.3(ATRIP):c.512C>T (p.Thr171Ile)

Genes: ATRIP (ATR interacting protein; plus strand), ATRIP-TREX1 (ATRIP-TREX1 readthrough; plus strand). Cytogenetic location: 3p21.31.
Variant type: single nucleotide variant.
Coding change: c.512C>T on transcript NM_130384.3 (MANE Select); coding-DNA position 512, C replaced by T.
Protein change: p.Thr171Ile; replaces threonine 171 with isoleucine.
Molecular consequence: missense variant. On other transcripts: non-coding transcript variant (1).
Genome position (GRCh38, 1-based): chr3:48,451,859, C>T. VCF-style: chr3-48451859-C-T. GRCh37 (hg19) VCF-style: chr3-48493265-C-T.
Other names: c.131C>T, p.Thr44Ile (NM_001271022.2); c.233C>T, p.Thr78Ile (NM_001271023.2); c.512C>T, p.Thr171Ile (NM_032166.4); short protein forms T44I, T78I, T171I.
Identifiers: ClinVar variation 3810273 (VCV003810273.1).

ClinVar aggregate classification (germline): Uncertain significance (1 of 4 stars; one submission).

gnomAD v4.1: 4 of 1,610,828 alleles (0.00025%); highest among the groups gnomAD compares: Non-Finnish European, 0.00034%; no homozygotes.

Submission:

Ambry Genetics
Classification: Uncertain significance. Last evaluated: 2025-02-01. Review status: criteria provided, single submitter. Criteria: Ambry Variant Classification Scheme 2023. Collection method: clinical testing. Allele origin: germline.
Comment: The p.T171I variant (also known as c.512C>T), located in coding exon 3 of the ATRIP gene, results from a C to T substitution at nucleotide position 512. The threonine at codon 171 is replaced by isoleucine, an amino acid with similar properties. This amino acid position is conserved. In addition, this alteration is predicted to be tolerated by in silico analysis. Based on the available evidence, the clinical significance of this variant remains unclear.